The following is an entry in ClinVar:

ClinVar aggregate classification (germline): Conflicting classifications of pathogenicity. Review status: criteria provided, conflicting classifications (1 of 4 stars). 4 submissions from 4 submitters: Uncertain significance (2); Likely benign (1). 1 of the submissions does not count toward it. Last evaluated 2025-09-29.

Conditions:
CACNB4-related disorder. Also called: CACNB4-Related Disorders; CACNB4-related condition.

Allele frequency attached by ClinVar (database versions not stated): 1000 Genomes Project 30x 0.00016; ESP Exome Variant Server 0.00034; TOPMed 0.00042; gnomAD exomes 0.00089 and 0.00023; ExAC 0.00034; gnomAD 0.00042.
gnomAD v4.1: 1,371 of 1,572,784 alleles (0.087%); highest among the groups gnomAD compares: Non-Finnish European, 0.11%; 2 homozygotes.

Submissions (4):

Athena Diagnostics
Classification: Uncertain significance. Last evaluated: 2025-09-29. Review status: criteria provided, single submitter. Criteria: Athena Diagnostics Criteria. Collection method: clinical testing. Allele origin: unknown.
Comment: Available data are insufficient to determine the clinical significance of the variant at this time. The frequency of this variant in the general population is uninformative in assessment of its pathogenicity. Computational tools yielded predictions that this variant is unlikely to have an effect on normal RNA splicing.

Blueprint Genetics
Classification: Likely benign. Last evaluated: 2024-11-21. Review status: criteria provided, single submitter. Criteria: ACMG Guidelines, 2015. Collection method: clinical testing. Allele origin: germline.

CeGaT Center for Human Genetics Tuebingen
Classification: Uncertain significance. Last evaluated: 2021-01-01. Review status: criteria provided, single submitter. Criteria: CeGaT Center For Human Genetics Tuebingen Variant Classification Criteria Version 2. Collection method: clinical testing. Allele origin: germline. Affected: yes. Observed: 1 variant allele.

PreventionGenetics, part of Exact Sciences
Classification: Likely benign for CACNB4-related condition. Last evaluated: 2020-07-06. Review status: no assertion criteria provided. Collection method: clinical testing. Allele origin: germline. Not counted in ClinVar's aggregate classification.
Comment: This variant is classified as likely benign based on ACMG/AMP sequence variant interpretation guidelines (Richards et al. 2015 PMID: 25741868, with internal and published modifications).

NM_000726.5(CACNB4):c.64-238T>G

Gene: CACNB4 (calcium voltage-gated channel auxiliary subunit beta 4; minus strand). Cytogenetic location: 2q23.3.
Variant type: single nucleotide variant.
Coding change: c.64-238T>G on transcript NM_000726.5 (MANE Select); 238 bases into the intron before coding-DNA position 64, T replaced by G.
Molecular consequence: intron variant. On other transcripts: 5 prime UTR variant (2).
Genome position (GRCh38, 1-based): chr2:152,098,651, A>C on the plus strand (T>G on the coding strand, the complement: CACNB4 is on the minus strand). VCF-style: chr2-152098651-A-C. GRCh37 (hg19) VCF-style: chr2-152955165-A-C.
Other names: c.-2T>G (NM_001005746.4, NM_001330113.2); c.64-238T>G (NM_001145798.2).
Identifiers: ClinVar variation 446970 (VCV000446970.43), dbSNP rs369342902, ClinGen allele CA1912772.
Genomic context (GRCh38, chr2:152,098,651, plus strand): 5'-GCCTCGACTGCTGAAAAGATGCTCGAGAAGAGCAGCCCGCAAGCACCCACCACATCCATT[A>C]ACAAAGACTCTCAGGGTGCGGGGTCCGAGTCCCCGGCATCCGCTGGGGGAGGCTGCGGGC-3'